The following is an entry in ClinVar:

ClinVar aggregate classification (germline): Uncertain significance (1 of 4 stars; one submission).

Submission:

Labcorp Genetics (formerly Invitae), Labcorp
Classification: Uncertain significance. Last evaluated: 2022-03-09. Review status: criteria provided, single submitter. Criteria: Invitae Variant Classification Sherloc (09022015). Collection method: clinical testing. Allele origin: germline.
Comment: Algorithms developed to predict the effect of missense changes on protein structure and function are either unavailable or do not agree on the potential impact of this missense change (SIFT: "Tolerated"; PolyPhen-2: "Possibly Damaging"; Align-GVGD: "Class C0"). This variant has not been reported in the literature in individuals affected with ALPK3-related conditions. This variant is not present in population databases (gnomAD no frequency). This sequence change replaces glycine, which is neutral and non-polar, with alanine, which is neutral and non-polar, at codon 120 of the ALPK3 protein (p.Gly120Ala). In summary, the available evidence is currently insufficient to determine the role of this variant in disease. Therefore, it has been classified as a Variant of Uncertain Significance.

NC_000015.10:g.84817205G>C

Gene: ALPK3 (alpha kinase 3; plus strand). Cytogenetic location: 15q25.3.
Variant type: single nucleotide variant.
Genome position: GRCh38 VCF-style: chr15-84817205-G-C. GRCh37 (hg19) VCF-style: chr15-85360436-G-C.
Identifiers: ClinVar variation 2090601 (VCV002090601.4), dbSNP rs2141541838, ClinGen allele CA393368751.